The following is an entry in ClinVar:

ClinVar aggregate classification (germline): Uncertain significance (1 of 4 stars; one submission).

Submission:

Labcorp Genetics (formerly Invitae), Labcorp
Classification: Uncertain significance. Last evaluated: 2024-03-26. Review status: criteria provided, single submitter. Criteria: Invitae Variant Classification Sherloc (09022015). Collection method: clinical testing. Allele origin: germline.
Comment: This sequence change replaces serine, which is neutral and polar, with alanine, which is neutral and non-polar, at codon 584 of the PLEKHM2 protein (p.Ser584Ala). This variant is not present in population databases (gnomAD no frequency). This variant has not been reported in the literature in individuals affected with PLEKHM2-related conditions. Algorithms developed to predict the effect of missense changes on protein structure and function output the following: SIFT: "Not Available"; PolyPhen-2: "Benign"; Align-GVGD: "Not Available". The alanine amino acid residue is found in multiple mammalian species, which suggests that this missense change does not adversely affect protein function. In summary, the available evidence is currently insufficient to determine the role of this variant in disease. Therefore, it has been classified as a Variant of Uncertain Significance.

NM_015164.4(PLEKHM2):c.1750T>G (p.Ser584Ala)

Gene: PLEKHM2 (pleckstrin homology and RUN domain containing M2; plus strand). Cytogenetic location: 1p36.21.
Variant type: single nucleotide variant.
Coding change: c.1750T>G on transcript NM_015164.4 (MANE Select); coding-DNA position 1750, T replaced by G.
Protein change: p.Ser584Ala; replaces serine 584 with alanine.
Molecular consequence: missense variant.
Genome position (GRCh38, 1-based): chr1:15,727,822, T>G. VCF-style: chr1-15727822-T-G. GRCh37 (hg19) VCF-style: chr1-16054317-T-G.
Other names: c.1690T>G, p.Ser564Ala (NM_001410755.1); short protein forms S564A, S584A.
Identifiers: ClinVar variation 3647630 (VCV003647630.2).